The following is an entry in ClinVar:

NM_001734.5(C1S):c.163A>G (p.Thr55Ala)

Gene: C1S (complement C1s; plus strand). Cytogenetic location: 12p13.31.
Variant type: single nucleotide variant.
Coding change: c.163A>G on transcript NM_001734.5 (MANE Select); coding-DNA position 163, A replaced by G.
Protein change: p.Thr55Ala; replaces threonine 55 with alanine.
Molecular consequence: missense variant. On other transcripts: intron variant (1).
Genome position (GRCh38, 1-based): chr12:7,062,632, A>G. VCF-style: chr12-7062632-A-G. GRCh37 (hg19) VCF-style: chr12-7169936-A-G.
Other names: c.163A>G, p.Thr55Ala (NM_201442.4); c.-288-258A>G (NM_001346850.2); short protein forms T55A.
Identifiers: ClinVar variation 1920445 (VCV001920445.5), dbSNP rs1185570965, ClinGen allele CA383688302.

ClinVar aggregate classification (germline): Uncertain significance (1 of 4 stars; one submission).

Allele frequency attached by ClinVar (database versions not stated): gnomAD exomes below 0.00001; gnomAD 0.00001; TOPMed 0.00002.
gnomAD v4.1: 4 of 1,613,984 alleles (0.00025%); highest among the groups gnomAD compares: African/African-American, 0.004%; no homozygotes.

Submission:

Labcorp Genetics (formerly Invitae), Labcorp
Classification: Uncertain significance. Last evaluated: 2024-12-22. Review status: criteria provided, single submitter. Criteria: Invitae Variant Classification Sherloc (09022015). Collection method: clinical testing. Allele origin: germline.
Comment: This sequence change replaces threonine, which is neutral and polar, with alanine, which is neutral and non-polar, at codon 55 of the C1S protein (p.Thr55Ala). This variant is not present in population databases (gnomAD no frequency). This variant has not been reported in the literature in individuals affected with C1S-related conditions. ClinVar contains an entry for this variant (Variation ID: 1920445). Invitae Evidence Modeling of protein sequence and biophysical properties (such as structural, functional, and spatial information, amino acid conservation, physicochemical variation, residue mobility, and thermodynamic stability) has been performed for this missense variant. However, the output from this modeling did not meet the statistical confidence thresholds required to predict the impact of this variant on C1S protein function. In summary, the available evidence is currently insufficient to determine the role of this variant in disease. Therefore, it has been classified as a Variant of Uncertain Significance.